The following is an entry in ClinVar:

NM_000444.6(PHEX):c.1174-1G>C

Gene: PHEX (phosphate regulating endopeptidase X-linked; plus strand). Cytogenetic location: Xp22.11.
Variant type: single nucleotide variant.
Coding change: c.1174-1G>C on transcript NM_000444.6 (MANE Select); the canonical splice acceptor site of the intron before coding-DNA position 1174, G replaced by C.
Molecular consequence: splice acceptor variant.
Genome position (GRCh38, 1-based): chrX:22,114,457, G>C. VCF-style: chrX-22114457-G-C. GRCh37 (hg19) VCF-style: chrX-22132575-G-C.
Other names: c.1174-1G>C (NM_001282754.2).
Identifiers: ClinVar variation 3722077 (VCV003722077.2).

ClinVar aggregate classification (germline): Pathogenic (1 of 4 stars; one submission).

Submission:

Labcorp Genetics (formerly Invitae), Labcorp
Classification: Pathogenic. Last evaluated: 2024-10-03. Review status: criteria provided, single submitter. Criteria: Invitae Variant Classification Sherloc (09022015). Collection method: clinical testing. Allele origin: germline.
Comment: This sequence change affects an acceptor splice site in intron 10 of the PHEX gene. It is expected to disrupt RNA splicing. Variants that disrupt the donor or acceptor splice site typically lead to a loss of protein function (PMID: 16199547), and loss-of-function variants in PHEX are known to be pathogenic (PMID: 9097956, 9106524, 19219621). This variant is not present in population databases (gnomAD no frequency). Disruption of this splice site has been observed in individuals with hypophosphatemia (PMID: 18162710, 27840894). Algorithms developed to predict the effect of sequence changes on RNA splicing suggest that this variant may disrupt the consensus splice site. For these reasons, this variant has been classified as Pathogenic.

Literature cited by the submitters: PubMed 16199547; PubMed 9097956; PubMed 9106524; PubMed 19219621; PubMed 18162710; PubMed 27840894.